The following is an entry in ClinVar:

ClinVar aggregate classification (germline): Uncertain significance (1 of 4 stars; one submission).

Submission:

GeneDx
Classification: Uncertain significance. Last evaluated: 2022-11-22. Review status: criteria provided, single submitter. Criteria: GeneDx Variant Classification Process June 2021. Collection method: clinical testing. Allele origin: germline. Affected: yes.
Comment: Not observed at significant frequency in large population cohorts (gnomAD); In silico analysis supports that this missense variant has a deleterious effect on protein structure/function; Has not been previously published as pathogenic or benign to our knowledge

NM_001320.7(CSNK2B):c.475T>G (p.Phe159Val)

Gene: CSNK2B (casein kinase 2 beta; plus strand). Cytogenetic location: 6p21.33.
Variant type: single nucleotide variant.
Coding change: c.475T>G on transcript NM_001320.7 (MANE Select); coding-DNA position 475, T replaced by G.
Protein change: p.Phe159Val; replaces phenylalanine 159 with valine.
Molecular consequence: missense variant.
Genome position (GRCh38, 1-based): chr6:31,669,426, T>G. VCF-style: chr6-31669426-T-G. GRCh37 (hg19) VCF-style: chr6-31637203-T-G.
Other names: c.466T>G, p.Phe156Val (NM_001282385.2); short protein forms F156V, F159V.
Identifiers: ClinVar variation 2502644 (VCV002502644.1), dbSNP rs2536968107, ClinGen allele CA363477046.
Genomic context (GRCh38, chr6:31,669,426, plus strand): 5'-AAGTGCATGGATGTGTACACACCCAAGTCATCAAGACACCATCACACGGATGGCGCCTAC[T>G]TCGGCACTGGTTTCCCTCACATGCTCTTCATGGTGCATCCCGAGTACCGGCCCAAGAGAC-3'
Protein context (NP_001311.3, residues 149-169): SRHHHTDGAY[Phe159Val]GTGFPHMLFM